The following is an entry in ClinVar:

NM_001347721.2(DYRK1A):c.1772A>G (p.His591Arg)

Gene: DYRK1A (dual specificity tyrosine phosphorylation regulated kinase 1A; plus strand). Cytogenetic location: 21q22.13.
Variant type: single nucleotide variant.
Coding change: c.1772A>G on transcript NM_001347721.2 (MANE Select); coding-DNA position 1772, A replaced by G.
Protein change: p.His591Arg; replaces histidine 591 with arginine.
Molecular consequence: missense variant. On other transcripts: 3 prime UTR variant (2).
Genome position (GRCh38, 1-based): chr21:37,512,038, A>G. VCF-style: chr21-37512038-A-G. GRCh37 (hg19) VCF-style: chr21-38884341-A-G.
Other names: c.1772A>G, p.His591Arg (NM_001347722.2, NM_130436.2); c.1685A>G, p.His562Arg (NM_001347723.2); c.1799A>G, p.His600Arg (NM_001396.5); c.*175A>G (NM_101395.2); c.*84A>G (NM_130438.2); short protein forms H591R, H600R, H562R.
Identifiers: ClinVar variation 2756109 (VCV002756109.25), dbSNP rs1263036686, ClinGen allele CA409939542.

ClinVar aggregate classification (germline): Conflicting classifications of pathogenicity. Review status: criteria provided, conflicting classifications (1 of 4 stars). 2 submissions from 2 submitters: Uncertain significance (1); Likely benign (1). Last evaluated 2024-02-01.

Conditions:
DYRK1A-related intellectual disability syndrome (MRD7). Also called: DYRK1A Syndrome; Intellectual developmental disorder, autosomal dominant 7. Identifiers: Orphanet 464306, MedGen C5568143, MONDO:0013578, OMIM 614104.

Submissions (2):

CeGaT Center for Human Genetics Tuebingen
Classification: Uncertain significance. Last evaluated: 2024-02-01. Review status: criteria provided, single submitter. Criteria: CeGaT Center For Human Genetics Tuebingen Variant Classification Criteria Version 2. Collection method: clinical testing. Allele origin: germline. Affected: yes. Observed: 1 variant allele.
Comment: DYRK1A: PM2

Labcorp Genetics (formerly Invitae), Labcorp
Classification: Likely benign for DYRK1A-related intellectual disability syndrome. Last evaluated: 2023-10-13. Review status: criteria provided, single submitter. Criteria: Invitae Variant Classification Sherloc (09022015). Collection method: clinical testing. Allele origin: germline.